The following is an entry in ClinVar:

NM_004168.4(SDHA):c.467A>T (p.Tyr156Phe)

Gene: SDHA (succinate dehydrogenase complex flavoprotein subunit A; plus strand). Cytogenetic location: 5p15.33.
Variant type: single nucleotide variant.
Coding change: c.467A>T on transcript NM_004168.4 (MANE Select); coding-DNA position 467, A replaced by T.
Protein change: p.Tyr156Phe; replaces tyrosine 156 with phenylalanine.
Molecular consequence: missense variant.
Genome position (GRCh38, 1-based): chr5:225,893, A>T. VCF-style: chr5-225893-A-T. GRCh37 (hg19) VCF-style: chr5-226008-A-T.
Other names: c.323A>T, p.Tyr108Phe (NM_001294332.2); c.467A>T, p.Tyr156Phe (NM_001330758.2); short protein forms Y156F, Y108F.
Identifiers: ClinVar variation 1445180 (VCV001445180.8), dbSNP rs774589410, ClinGen allele CA3172857.

ClinVar aggregate classification (germline): Uncertain significance (1 of 4 stars; one submission).

Conditions:
Mitochondrial complex II deficiency, nuclear type 1. Also called: SUCCINATE CoQ REDUCTASE DEFICIENCY. Identifiers: Orphanet 3208, MedGen C5700310, MONDO:0100294, OMIM 252011.
Pheochromocytoma/paraganglioma syndrome 5. Also called: Paragangliomas 5; SDHA-Related Hereditary Paraganglioma-Pheochromocytoma Syndrome. Identifiers: Orphanet 29072, MedGen C3279992, MONDO:0013602, OMIM 614165.

Allele frequency attached by ClinVar (database versions not stated): gnomAD exomes below 0.00001; ExAC 0.00001.

Submission:

Labcorp Genetics (formerly Invitae), Labcorp
Classification: Uncertain significance for Pheochromocytoma/paraganglioma syndrome 5; Mitochondrial complex II deficiency, nuclear type 1. Last evaluated: 2021-03-26. Review status: criteria provided, single submitter. Criteria: Invitae Variant Classification Sherloc (09022015). Collection method: clinical testing. Allele origin: germline.
Comment: In summary, the available evidence is currently insufficient to determine the role of this variant in disease. Therefore, it has been classified as a Variant of Uncertain Significance. This sequence change replaces tyrosine with phenylalanine at codon 156 of the SDHA protein (p.Tyr156Phe). The tyrosine residue is highly conserved and there is a small physicochemical difference between tyrosine and phenylalanine. This variant is present in population databases (rs774589410, ExAC 0.002%). This variant has not been reported in the literature in individuals with SDHA-related conditions. Advanced modeling of protein sequence and biophysical properties (such as structural, functional, and spatial information, amino acid conservation, physicochemical variation, residue mobility, and thermodynamic stability) performed at Invitae indicates that this missense variant is not expected to disrupt SDHA protein function.